The following is an entry in ClinVar:

NM_001201543.2(FAM161A):c.1088C>G (p.Ser363Cys)

Gene: FAM161A (FAM161 centrosomal protein A; minus strand). Cytogenetic location: 2p15.
Variant type: single nucleotide variant.
Coding change: c.1088C>G on transcript NM_001201543.2 (MANE Select); coding-DNA position 1088, C replaced by G.
Protein change: p.Ser363Cys; replaces serine 363 with cysteine.
Molecular consequence: missense variant. On other transcripts: non-coding transcript variant (1).
Genome position (GRCh38, 1-based): chr2:61,839,916, G>C on the plus strand (C>G on the coding strand, the complement: FAM161A is on the minus strand). VCF-style: chr2-61839916-G-C. GRCh37 (hg19) VCF-style: chr2-62067051-G-C.
Other names: c.1088C>G, p.Ser363Cys (NM_032180.3); short protein forms S363C.
Identifiers: ClinVar variation 853030 (VCV000853030.10), dbSNP rs374178531, ClinGen allele CA346987463.

ClinVar aggregate classification (germline): Uncertain significance. Review status: criteria provided, multiple submitters, no conflicts (2 of 4 stars). 2 submissions from 2 submitters: Uncertain significance (2). Last evaluated 2023-12-11.

gnomAD v4.1: 3 of 1,614,196 alleles (0.00019%); highest among the groups gnomAD compares: Admixed American, 0.0017%; no homozygotes.

Submissions (2):

Labcorp Genetics (formerly Invitae), Labcorp
Classification: Uncertain significance. Last evaluated: 2023-12-11. Review status: criteria provided, single submitter. Criteria: Invitae Variant Classification Sherloc (09022015). Collection method: clinical testing. Allele origin: germline.
Comment: This sequence change replaces serine, which is neutral and polar, with cysteine, which is neutral and slightly polar, at codon 363 of the FAM161A protein (p.Ser363Cys). This variant is present in population databases (no rsID available, gnomAD 0.002%). This variant has not been reported in the literature in individuals affected with FAM161A-related conditions. ClinVar contains an entry for this variant (Variation ID: 853030). Advanced modeling of protein sequence and biophysical properties (such as structural, functional, and spatial information, amino acid conservation, physicochemical variation, residue mobility, and thermodynamic stability) has been performed at Invitae for this missense variant, however the output from this modeling did not meet the statistical confidence thresholds required to predict the impact of this variant on FAM161A protein function. In summary, the available evidence is currently insufficient to determine the role of this variant in disease. Therefore, it has been classified as a Variant of Uncertain Significance.

Blueprint Genetics
Classification: Uncertain significance. Last evaluated: 2022-07-29. Review status: criteria provided, single submitter. Criteria: ACMG Guidelines, 2015. Collection method: clinical testing. Allele origin: germline.